The following is an entry in ClinVar:

NM_001384474.1(LOXHD1):c.4497A>G (p.Ser1499=)

Gene: LOXHD1 (lipoxygenase homology PLAT domains 1; minus strand). Cytogenetic location: 18q21.1.
Variant type: single nucleotide variant.
Coding change: c.4497A>G on transcript NM_001384474.1 (MANE Select); coding-DNA position 4497, A replaced by G.
Protein change: p.Ser1499=; no amino-acid change (serine 1499 retained).
Molecular consequence: synonymous variant.
Genome position (GRCh38, 1-based): chr18:46,529,210, T>C on the plus strand (A>G on the coding strand, the complement: LOXHD1 is on the minus strand). VCF-style: chr18-46529210-T-C. GRCh37 (hg19) VCF-style: chr18-44109173-T-C.
Other names: c.1164A>G, p.Ser388= (NM_001145472.3); c.876A>G, p.Ser292= (NM_001308013.2); c.4497A>G, p.Ser1499= (NM_144612.7).
Identifiers: ClinVar variation 227523 (VCV000227523.12), dbSNP rs876657497, ClinGen allele CA10577073.

ClinVar aggregate classification (germline): Likely benign. Review status: criteria provided, multiple submitters, no conflicts (2 of 4 stars). 2 submissions from 2 submitters: Likely benign (2). Last evaluated 2022-01-26.

Allele frequency attached by ClinVar (database versions not stated): gnomAD exomes 0.00001; TOPMed 0.00001.

Submissions (2):

Labcorp Genetics (formerly Invitae), Labcorp
Classification: Likely benign. Last evaluated: 2022-01-26. Review status: criteria provided, single submitter. Criteria: Invitae Variant Classification Sherloc (09022015). Collection method: clinical testing. Allele origin: germline.

Laboratory for Molecular Medicine, Mass General Brigham Personalized Medicine
Classification: Likely benign. Last evaluated: 2015-04-30. Review status: criteria provided, single submitter. Criteria: LMM Criteria. Collection method: clinical testing. Allele origin: germline. Observed: 1 variant allele.
Comment: p.Ser1499Ser in exon 29 of LOXHD1: This variant is not expected to have clinical significance because it does not alter an amino acid residue and is not located within the splice consensus sequence.